The following is an entry in ClinVar:

NM_000245.4(MET):c.1716T>C (p.Ser572=)

Gene: MET (MET proto-oncogene, receptor tyrosine kinase; plus strand). Cytogenetic location: 7q31.2.
Variant type: single nucleotide variant.
Coding change: c.1716T>C on transcript NM_000245.4 (MANE Select); coding-DNA position 1716, T replaced by C.
Protein change: p.Ser572=; no amino-acid change (serine 572 retained).
Molecular consequence: synonymous variant.
Genome position (GRCh38, 1-based): chr7:116,755,369, T>C. VCF-style: chr7-116755369-T-C. GRCh37 (hg19) VCF-style: chr7-116395423-T-C.
Other names: c.1716T>C, p.Ser572= (NM_001127500.3, NM_001324401.3); c.426T>C, p.Ser142= (NM_001324402.2).
Identifiers: ClinVar variation 514819 (VCV000514819.14), dbSNP rs1382410716, ClinGen allele CA457216166.
Genomic context (GRCh38, chr7:116,755,369, plus strand): 5'-TTATAATATATTGGGTTTTTTTAAAAGTTCTATGTTGTCCTTGTAGGTTTTCCCAAATAG[T>C]GCACCCCTTGAAGGAGGGACAAGGCTGACCATATGTGGCTGGGACTTTGGATTTCGGAGG-3'
Protein context (NP_000236.2, residues 562-582): LPAIYKVFPN[Ser572=]APLEGGTRLT

ClinVar aggregate classification (germline): Likely benign. Review status: criteria provided, multiple submitters, no conflicts (2 of 4 stars). 3 submissions from 3 submitters: Likely benign (3). Last evaluated 2025-07-15.

Conditions:
Renal cell carcinoma. Identifiers: Orphanet 217071, MedGen C0007134, MeSH D002292, MONDO:0005086, HP:0005584.
Hereditary cancer-predisposing syndrome. Also called: Hereditary Cancer Syndrome; Neoplastic Syndromes, Hereditary; Tumor predisposition; Hereditary neoplastic syndrome. Identifiers: Orphanet 140162, MedGen C0027672, MeSH D009386, MONDO:0015356.

Allele frequency attached by ClinVar (database versions not stated): gnomAD exomes below 0.00001; TOPMed below 0.00001.
gnomAD v4.1: 1 of 1,614,118 alleles (0.000062%); highest among the groups gnomAD compares: East Asian, 0.0022%; no homozygotes.

Submissions (3):

Labcorp Genetics (formerly Invitae), Labcorp
Classification: Likely benign for Renal cell carcinoma. Last evaluated: 2025-07-15. Review status: criteria provided, single submitter. Criteria: Invitae Variant Classification Sherloc (09022015). Collection method: clinical testing. Allele origin: germline.

Ambry Genetics
Classification: Likely benign for Hereditary cancer-predisposing syndrome. Last evaluated: 2019-08-28. Review status: criteria provided, single submitter. Criteria: Ambry Variant Classification Scheme 2023. Collection method: clinical testing. Allele origin: germline.

GeneDx
Classification: Likely benign. Last evaluated: 2018-01-15. Review status: criteria provided, single submitter. Criteria: GeneDx Variant Classification (06012015). Collection method: clinical testing. Allele origin: germline. Affected: yes.
Comment: This variant is considered likely benign or benign based on one or more of the following criteria: it is a conservative change, it occurs at a poorly conserved position in the protein, it is predicted to be benign by multiple in silico algorithms, and/or has population frequency not consistent with disease.